The following is an entry in ClinVar:

ClinVar aggregate classification (germline): Likely benign (1 of 4 stars; one submission).

Allele frequency attached by ClinVar (database versions not stated): 1000 Genomes Project 30x 0.00031; 1000 Genomes Project 0.00040; TOPMed 0.00106; gnomAD 0.00117; ESP Exome Variant Server 0.00140; ExAC 0.00212; gnomAD exomes 0.00226.
gnomAD v4.1: 3,326 of 1,575,988 alleles (0.21%); highest among the groups gnomAD compares: Non-Finnish European, 0.28%; 10 homozygotes.

Submission:

CeGaT Center for Human Genetics Tuebingen
Classification: Likely benign. Last evaluated: 2026-06-01. Review status: criteria provided, single submitter. Criteria: CeGaT Center For Human Genetics Tuebingen Variant Classification Criteria Version 2. Collection method: clinical testing. Allele origin: germline. Affected: yes. Observed: 2 variant alleles.
Comment: MUC5B: BP4, BP7

NM_002458.3(MUC5B):c.3381G>A (p.Thr1127=)

Gene: MUC5B (mucin 5B, oligomeric mucus/gel-forming; plus strand). Cytogenetic location: 11p15.5.
Variant type: single nucleotide variant.
Coding change: c.3381G>A on transcript NM_002458.3 (MANE Select); coding-DNA position 3381, G replaced by A.
Protein change: p.Thr1127=; no amino-acid change (threonine 1127 retained).
Molecular consequence: synonymous variant.
Genome position (GRCh38, 1-based): chr11:1,238,954, G>A. VCF-style: chr11-1238954-G-A. GRCh37 (hg19) VCF-style: chr11-1260184-G-A.
Identifiers: ClinVar variation 2641191 (VCV002641191.24), dbSNP rs189866318, ClinGen allele CA5805067.